The following is an entry in ClinVar:

ClinVar aggregate classification (germline): Uncertain significance (1 of 4 stars; one submission).

Allele frequency attached by ClinVar (database versions not stated): gnomAD exomes below 0.00001; TOPMed 0.00001.

Submission:

Labcorp Genetics (formerly Invitae), Labcorp
Classification: Uncertain significance. Last evaluated: 2023-10-03. Review status: criteria provided, single submitter. Criteria: Invitae Variant Classification Sherloc (09022015). Collection method: clinical testing. Allele origin: germline.
Comment: This sequence change replaces histidine, which is basic and polar, with tyrosine, which is neutral and polar, at codon 69 of the LETM1 protein (p.His69Tyr). This variant is present in population databases (rs564235030, gnomAD 0.007%). This variant has not been reported in the literature in individuals affected with LETM1-related conditions. ClinVar contains an entry for this variant (Variation ID: 1945163). An algorithm developed to predict the effect of missense changes on protein structure and function (PolyPhen-2) suggests that this variant is likely to be tolerated. In summary, the available evidence is currently insufficient to determine the role of this variant in disease. Therefore, it has been classified as a Variant of Uncertain Significance.

NM_012318.3(LETM1):c.205C>T (p.His69Tyr)

Gene: LETM1 (leucine zipper and EF-hand containing transmembrane protein 1; minus strand). Cytogenetic location: 4p16.3.
Variant type: single nucleotide variant.
Coding change: c.205C>T on transcript NM_012318.3 (MANE Select); coding-DNA position 205, C replaced by T.
Protein change: p.His69Tyr; replaces histidine 69 with tyrosine.
Molecular consequence: missense variant.
Genome position (GRCh38, 1-based): chr4:1,841,736, G>A on the plus strand (C>T on the coding strand, the complement: LETM1 is on the minus strand). VCF-style: chr4-1841736-G-A. GRCh37 (hg19) VCF-style: chr4-1843463-G-A.
Other names: short protein forms H69Y.
Identifiers: ClinVar variation 1945163 (VCV001945163.5), dbSNP rs564235030, ClinGen allele CA91280553.